The following is an entry in ClinVar:

NM_182643.3(DLC1):c.2462C>T (p.Ala821Val)

Gene: DLC1 (DLC1 Rho GTPase activating protein; minus strand). Cytogenetic location: 8p22.
Variant type: single nucleotide variant.
Coding change: c.2462C>T on transcript NM_182643.3 (MANE Select); coding-DNA position 2462, C replaced by T.
Protein change: p.Ala821Val; replaces alanine 821 with valine.
Molecular consequence: missense variant.
Genome position (GRCh38, 1-based): chr8:13,099,875, G>A on the plus strand (C>T on the coding strand, the complement: DLC1 is on the minus strand). VCF-style: chr8-13099875-G-A. GRCh37 (hg19) VCF-style: chr8-12957384-G-A.
Other names: c.929C>T, p.Ala310Val (NM_001164271.2, NM_001348082.2, NM_001348083.1 and 6 more transcripts); c.1253C>T, p.Ala418Val (NM_001316668.2, NM_001413129.1); c.2462C>T, p.Ala821Val (NM_001348081.2, NM_001413124.1); c.1244C>T, p.Ala415Val (NM_001413130.1); c.902C>T, p.Ala301Val (NM_001413131.1, NM_001413137.1); c.1388C>T, p.Ala463Val (NM_001413132.1); c.1151C>T, p.Ala384Val (NM_001413135.1, NM_001413136.1, NM_001413139.1 and 1 more transcripts); c.1286C>T, p.Ala429Val (NM_001413140.1); short protein forms A415V, A463V, A821V, A310V, A384V, A418V, A429V, A301V.
Identifiers: ClinVar variation 2216049 (VCV002216049.5), dbSNP rs1174477487, ClinGen allele CA370345231.
Genomic context (GRCh38, chr8:13,099,875, plus strand): 5'-CCCGTCCTCCAGTTCACAGAGCCGTTATTCCCCGAGGGGGAGAAACTGCCATTGGTGAGA[G>A]CTTTGGGGAAAGTGCCAGGCTTGTGATCTTCAGGGATGTAGAACACCGTGTCCTCTGGGT-3'
Protein context (NP_872584.2, residues 811-831): EDHKPGTFPK[Ala821Val]LTNGSFSPSG

ClinVar aggregate classification (germline): Uncertain significance. Review status: criteria provided, multiple submitters, no conflicts (2 of 4 stars). 3 submissions from 3 submitters: Uncertain significance (3). Last evaluated 2025-10-09.

Conditions:
Colorectal cancer. Also called: Malignant Colorectal Neoplasm; Colorectal cancer, somatic. Identifiers: MedGen C0346629, MONDO:0005575, OMIM 114500.

Allele frequency attached by ClinVar (database versions not stated): TOPMed 0.00001.
gnomAD v4.1: 12 of 1,614,226 alleles (0.00074%); highest among the groups gnomAD compares: Non-Finnish European, 0.001%; no homozygotes.

Submissions (3):

Labcorp Genetics (formerly Invitae), Labcorp
Classification: Uncertain significance. Last evaluated: 2025-10-09. Review status: criteria provided, single submitter. Criteria: Invitae Variant Classification Sherloc (09022015). Collection method: clinical testing. Allele origin: germline.
Comment: This sequence change replaces alanine, which is neutral and non-polar, with valine, which is neutral and non-polar, at codon 821 of the DLC1 protein (p.Ala821Val). This variant is not present in population databases (gnomAD no frequency). This variant has not been reported in the literature in individuals affected with DLC1-related conditions. ClinVar contains an entry for this variant (Variation ID: 2216049). An algorithm developed to predict the effect of missense changes on protein structure and function (PolyPhen-2) suggests that this variant is likely to be disruptive. In summary, the available evidence is currently insufficient to determine the role of this variant in disease. Therefore, it has been classified as a Variant of Uncertain Significance.

Fulgent Genetics
Classification: Uncertain significance for Colorectal cancer. Last evaluated: 2024-01-08. Review status: criteria provided, single submitter. Criteria: ACMG Guidelines, 2015. Collection method: clinical testing. Allele origin: germline.

Ambry Genetics
Classification: Uncertain significance. Last evaluated: 2022-09-07. Review status: criteria provided, single submitter. Criteria: Ambry Variant Classification Scheme 2023. Collection method: clinical testing. Allele origin: germline.